The following is an entry in ClinVar:

ClinVar aggregate classification (germline): Uncertain significance (1 of 4 stars; one submission).

Submission:

GeneDx
Classification: Uncertain significance. Last evaluated: 2024-11-21. Review status: criteria provided, single submitter. Criteria: GeneDx Variant Classification Process June 2021. Collection method: clinical testing. Allele origin: germline. Affected: yes.
Comment: Not observed at significant frequency in large population cohorts (gnomAD); In silico analysis supports a deleterious effect on protein structure/function; Has not been previously published as pathogenic or benign to our knowledge

NM_001429.4(EP300):c.3182_3183delinsAA (p.Thr1061Lys)

Gene: EP300 (EP300 lysine acetyltransferase; plus strand). Cytogenetic location: 22q13.2.
Variant type: Indel.
Coding change: c.3182_3183delinsAA on transcript NM_001429.4 (MANE Select); coding-DNA positions 3182 to 3183, CT replaced by AA.
Protein change: p.Thr1061Lys; replaces threonine 1061 with lysine.
Molecular consequence: missense variant.
Genome position (GRCh38, 1-based): chr22:41,155,034-41,155,035, CT replaced by AA. VCF-style: chr22-41155034-CT-AA. GRCh37 (hg19) VCF-style: chr22-41551038-CT-AA.
Other names: c.3104_3105delinsAA, p.Thr1035Lys (NM_001362843.2); short protein forms T1035K, T1061K.
Identifiers: ClinVar variation 3900068 (VCV003900068.1).